The following is an entry in ClinVar:

ClinVar aggregate classification (germline): Likely pathogenic (1 of 4 stars; one submission).

Conditions:
Nemaline myopathy 2 (NEM2). Also called: Nemaline myopathy 2, autosomal recessive. Identifiers: MedGen C1850569, MONDO:0009725, OMIM 256030.

Allele frequency attached by ClinVar (database versions not stated): gnomAD exomes below 0.00001.
gnomAD v4.1: 1 of 1,610,670 alleles (0.000062%); highest among the groups gnomAD compares: Non-Finnish European, 0.000085%; no homozygotes.

Submission:

Labcorp Genetics (formerly Invitae), Labcorp
Classification: Likely pathogenic for Nemaline myopathy 2. Last evaluated: 2023-04-26. Review status: criteria provided, single submitter. Criteria: Invitae Variant Classification Sherloc (09022015). Collection method: clinical testing. Allele origin: germline.
Comment: Algorithms developed to predict the effect of sequence changes on RNA splicing suggest that this variant may disrupt the consensus splice site. In summary, the currently available evidence indicates that the variant is pathogenic, but additional data are needed to prove that conclusively. Therefore, this variant has been classified as Likely Pathogenic. This variant has not been reported in the literature in individuals affected with NEB-related conditions. This variant is not present in population databases (gnomAD no frequency). This sequence change affects an acceptor splice site in intron 61 of the NEB gene. It is expected to disrupt RNA splicing. Variants that disrupt the donor or acceptor splice site typically lead to a loss of protein function (PMID: 16199547), and loss-of-function variants in NEB are known to be pathogenic (PMID: 25205138).

Literature cited by the submitters: PubMed 16199547; PubMed 25205138.

NM_001164508.2(NEB):c.8686-2A>G

Gene: NEB (nebulin; minus strand). Cytogenetic location: 2q23.3.
Variant type: single nucleotide variant.
Coding change: c.8686-2A>G on transcript NM_001164508.2 (MANE Select); the canonical splice acceptor site of the intron before coding-DNA position 8686, A replaced by G.
Molecular consequence: splice acceptor variant.
Genome position (GRCh38, 1-based): chr2:151,640,062, T>C on the plus strand (A>G on the coding strand, the complement: NEB is on the minus strand). VCF-style: chr2-151640062-T-C. GRCh37 (hg19) VCF-style: chr2-152496576-T-C.
Other names: c.8686-2A>G (NM_001164507.2, NM_001271208.2, NM_004543.5).
Identifiers: ClinVar variation 2859487 (VCV002859487.3), dbSNP rs2552243530, ClinGen allele CA348809752.